The following is an entry in ClinVar:

NM_001127644.2(GABRA1):c.*988A>G

Gene: GABRA1 (gamma-aminobutyric acid type A receptor subunit alpha1; plus strand). Cytogenetic location: 5q34.
Variant type: single nucleotide variant.
Coding change: c.*988A>G on transcript NM_001127644.2 (MANE Select); 988 bases downstream of the stop codon, A replaced by G.
Molecular consequence: 3 prime UTR variant.
Genome position (GRCh38, 1-based): chr5:161,898,410, A>G. VCF-style: chr5-161898410-A-G. GRCh37 (hg19) VCF-style: chr5-161325416-A-G.
Other names: c.*988A>G (NM_000806.5, NM_001127643.2, NM_001127645.2 and 1 more transcripts).
Identifiers: ClinVar variation 907625 (VCV000907625.28), dbSNP rs182930988, ClinGen allele CA131088042.

ClinVar aggregate classification (germline): Conflicting classifications of pathogenicity. Review status: criteria provided, conflicting classifications (1 of 4 stars). 2 submissions from 2 submitters: Uncertain significance (1); Likely benign (1). Last evaluated 2023-04-01.

Conditions:
Epilepsy, idiopathic generalized, susceptibility to, 13. Also called: EPILEPSY, JUVENILE MYOCLONIC, SUSCEPTIBILITY TO, 5. Identifiers: Orphanet 307, Orphanet 64280, MedGen C4013473, MONDO:0012627, OMIM 611136.

Allele frequency attached by ClinVar (database versions not stated): 1000 Genomes Project 30x 0.00078; 1000 Genomes Project 0.00100; TOPMed 0.00108; gnomAD 0.00137 and 0.00140; gnomAD exomes 0.01643.
gnomAD v4.1: 215 of 152,714 alleles (0.14%); highest among the groups gnomAD compares: Non-Finnish European, 0.16%; no homozygotes.

Submissions (2):

CeGaT Center for Human Genetics Tuebingen
Classification: Likely benign. Last evaluated: 2023-04-01. Review status: criteria provided, single submitter. Criteria: CeGaT Center For Human Genetics Tuebingen Variant Classification Criteria Version 2. Collection method: clinical testing. Allele origin: germline. Affected: yes. Observed: 1 variant allele.
Comment: GABRA1: BS1

Illumina Laboratory Services, Illumina
Classification: Uncertain significance for Epilepsy, idiopathic generalized, susceptibility to, 13. Last evaluated: 2018-01-13. Review status: criteria provided, single submitter. Criteria: ICSL Variant Classification Criteria 13 December 2019. Collection method: clinical testing. Allele origin: germline.